The following is an entry in ClinVar:

ClinVar aggregate classification (germline): Uncertain significance (1 of 4 stars; one submission).

Conditions:
Duchenne muscular dystrophy (DMD). Also called: MUSCULAR DYSTROPHY, PSEUDOHYPERTROPHIC PROGRESSIVE, DUCHENNE TYPE; Duchenne Muscular Dystrophy (DMD). Identifiers: Orphanet 98896, MedGen C0013264, MONDO:0010679, OMIM 310200.

Submission:

Labcorp Genetics (formerly Invitae), Labcorp
Classification: Uncertain significance for Duchenne muscular dystrophy. Last evaluated: 2024-08-13. Review status: criteria provided, single submitter. Criteria: Invitae Variant Classification Sherloc (09022015). Collection method: clinical testing. Allele origin: germline.
Comment: This sequence change replaces leucine, which is neutral and non-polar, with proline, which is neutral and non-polar, at codon 2948 of the DMD protein (p.Leu2948Pro). This variant is not present in population databases (gnomAD no frequency). This variant has not been reported in the literature in individuals affected with DMD-related conditions. ClinVar contains an entry for this variant (Variation ID: 2194464). Advanced modeling of protein sequence and biophysical properties (such as structural, functional, and spatial information, amino acid conservation, physicochemical variation, residue mobility, and thermodynamic stability) performed at Invitae indicates that this missense variant is not expected to disrupt DMD protein function with a negative predictive value of 95%. In summary, the available evidence is currently insufficient to determine the role of this variant in disease. Therefore, it has been classified as a Variant of Uncertain Significance.

NM_004006.3(DMD):c.8843T>C (p.Leu2948Pro)

Gene: DMD (dystrophin; minus strand). Cytogenetic location: Xp21.2.
Variant type: single nucleotide variant.
Coding change: c.8843T>C on transcript NM_004006.3 (MANE Select); coding-DNA position 8843, T replaced by C.
Protein change: p.Leu2948Pro; replaces leucine 2948 with proline.
Molecular consequence: missense variant.
Genome position (GRCh38, 1-based): chrX:31,478,200, A>G on the plus strand (T>C on the coding strand, the complement: DMD is on the minus strand). VCF-style: chrX-31478200-A-G. GRCh37 (hg19) VCF-style: chrX-31496317-A-G.
Other names: c.8819T>C, p.Leu2940Pro (NM_000109.4); c.8831T>C, p.Leu2944Pro (NM_004009.3); c.8474T>C, p.Leu2825Pro (NM_004010.3); c.4820T>C, p.Leu1607Pro (NM_004011.4); c.4811T>C, p.Leu1604Pro (NM_004012.4); c.1463T>C, p.Leu488Pro (NM_004013.3, NM_004020.4, NM_004021.3 and 2 more transcripts); c.656T>C, p.Leu219Pro (NM_004014.3); short protein forms L2825P, L1604P, L2940P, L488P, L2948P, L2944P, L1607P, L219P.
Identifiers: ClinVar variation 2194464 (VCV002194464.3), dbSNP rs201257027, ClinGen allele CA328434419.